The following is an entry in ClinVar:

NM_006015.6(ARID1A):c.107_118dup (p.Ala39_Ala40insGlyGlyGluAla)

Gene: ARID1A (AT-rich interaction domain 1A; plus strand). Cytogenetic location: 1p36.11.
Variant type: Duplication.
Coding change: c.107_118dup on transcript NM_006015.6 (MANE Select); coding-DNA positions 107 to 118, 12 bases duplicated (GGGGCGAGGCGG).
Protein change: p.Ala39_Ala40insGlyGlyGluAla.
Genome position (GRCh38, 1-based): chr1:26,696,510-26,696,521, GGGGCGAGGCGG duplicated; duplicating any 12 consecutive bases within chr1:26,696,503-26,696,521 gives the same sequence; the c. name uses the placement nearest the transcript's 3' end. VCF-style (leftmost placement, unchanged base first): chr1-26696502-G-GGAGGCGGGGGGC. GRCh37 (hg19) VCF-style: chr1-27022993-G-GGAGGCGGGGGGC.
Other names: c.107_118dup, p.Ala39_Ala40insGlyGlyGluAla (NM_139135.4).
Identifiers: ClinVar variation 3682257 (VCV003682257.2).

ClinVar aggregate classification (germline): Uncertain significance (1 of 4 stars; one submission).

Submission:

Labcorp Genetics (formerly Invitae), Labcorp
Classification: Uncertain significance. Last evaluated: 2024-10-07. Review status: criteria provided, single submitter. Criteria: Invitae Variant Classification Sherloc (09022015). Collection method: clinical testing. Allele origin: germline.
Comment: This variant, c.107_118dup, results in the insertion of 4 amino acid(s) of the ARID1A protein (p.Gly36_Ala39dup), but otherwise preserves the integrity of the reading frame. This variant is not present in population databases (gnomAD no frequency). This variant has not been reported in the literature in individuals affected with ARID1A-related conditions. In summary, the available evidence is currently insufficient to determine the role of this variant in disease. Therefore, it has been classified as a Variant of Uncertain Significance.